The following is an entry in ClinVar:

NM_000239.3(LYZ):c.263C>A (p.Thr88Asn)

Gene: LYZ (lysozyme; plus strand). Cytogenetic location: 12q15.
Variant type: single nucleotide variant.
Coding change: c.263C>A on transcript NM_000239.3 (MANE Select); coding-DNA position 263, C replaced by A.
Protein change: p.Thr88Asn; replaces threonine 88 with asparagine.
Molecular consequence: missense variant.
Genome position (GRCh38, 1-based): chr12:69,350,234, C>A. VCF-style: chr12-69350234-C-A. GRCh37 (hg19) VCF-style: chr12-69744014-C-A.
Other names: short protein forms T88N.
Identifiers: ClinVar variation 310331 (VCV000310331.16), dbSNP rs1800973, ClinGen allele CA6679745.

ClinVar aggregate classification (germline): Benign/Likely benign. Review status: criteria provided, multiple submitters, no conflicts (2 of 4 stars). 6 submissions from 6 submitters: Benign (3); Likely benign (3). Last evaluated 2026-02-01.

Conditions:
Familial visceral amyloidosis, Ostertag type (AMYLD2). Also called: AMYLOIDOSIS VIII; Hereditary Renal Amyloidosis; Ostertag type amyloidosis; AMYLOIDOSIS, HEREDITARY SYSTEMIC 2; Familial visceral amyloidosis; Amyloidosis, hepatic and systemic. Identifiers: Orphanet 85450, MedGen C0268389, MONDO:0007099, OMIM 105200.

Allele frequency attached by ClinVar (database versions not stated): 1000 Genomes Project 0.01458; 1000 Genomes Project 30x 0.01499; TOPMed 0.04061; gnomAD 0.04189 and 0.04360; gnomAD exomes 0.04220 and 0.05474; ExAC 0.04275; ESP Exome Variant Server 0.05044.
gnomAD v4.1: 85,835 of 1,613,898 alleles (5.3%); highest among the groups gnomAD compares: Non-Finnish European, 6.3%; 2,628 homozygotes.

Submissions (6):

Labcorp Genetics (formerly Invitae), Labcorp
Classification: Benign. Last evaluated: 2026-02-01. Review status: criteria provided, single submitter. Criteria: Invitae Variant Classification Sherloc (09022015). Collection method: clinical testing. Allele origin: germline.

Blueprint Genetics
Classification: Likely benign. Last evaluated: 2024-11-27. Review status: criteria provided, single submitter. Criteria: ACMG Guidelines, 2015. Collection method: clinical testing. Allele origin: germline.

Mayo Clinic Laboratories, Mayo Clinic
Classification: Benign. Last evaluated: 2024-04-02. Review status: criteria provided, single submitter. Criteria: ACMG Guidelines, 2015. Collection method: clinical testing. Allele origin: germline. Observed: 8 variant alleles.
Comment: BA1

Illumina Laboratory Services, Illumina
Classification: Benign for Familial visceral amyloidosis, Ostertag type. Last evaluated: 2018-03-06. Review status: criteria provided, single submitter. Criteria: ICSL Variant Classification Criteria 13 December 2019. Collection method: clinical testing. Allele origin: germline.
Comment: This variant was observed in the ICSL laboratory as part of a predisposition screen in an ostensibly healthy population. It had not been previously curated by ICSL or reported in the Human Gene Mutation Database (HGMD: prior to June 1st, 2018), and was therefore a candidate for classification through an automated scoring system. Utilizing variant allele frequency, disease prevalence and penetrance estimates, and inheritance mode, an automated score was calculated to assess if this variant is too frequent to cause the disease. Based on the score and internal cut-off values, a variant classified as benign is not then subjected to further curation. The score for this variant resulted in a classification of benign for this disease.

Breakthrough Genomics
Classification: Likely benign. Review status: criteria provided, single submitter. Criteria: ACMG Guidelines, 2015. Collection method: not provided. Allele origin: germline. Inheritance: Autosomal dominant inheritance. Affected: yes.

Broad Center for Mendelian Genomics, Broad Institute of MIT and Harvard
Classification: Likely benign for Familial visceral amyloidosis, Ostertag type. Review status: criteria provided, single submitter. Criteria: ACMG Guidelines, 2015. Collection method: research. Allele origin: germline. Affected: yes.
Comment: The heterozygous p.Thr88Asn variant, sometimes called p.Thr70Asn due to a difference in cDNA numbering, in LYZ has been identified in cis with another missense variant in an individual with ALys amyloidosis (PMID: 16329101), but has also been identified in >6% of European (non-Finnish) chromosomes and 151 total homozygotes by ExAC. In summary, although additional studies are required to fully establish its clinical significance, this variant meets criteria to be classified as likely benign for ALys amyloidosis.